The following is an entry in ClinVar:

NM_014176.4(UBE2T):c.110-1G>T

Gene: UBE2T (ubiquitin conjugating enzyme E2 T; minus strand). Cytogenetic location: 1q32.1.
Variant type: single nucleotide variant.
Coding change: c.110-1G>T on transcript NM_014176.4 (MANE Select); the canonical splice acceptor site of the intron before coding-DNA position 110, G replaced by T.
Molecular consequence: splice acceptor variant.
Genome position (GRCh38, 1-based): chr1:202,335,059, C>A on the plus strand (G>T on the coding strand, the complement: UBE2T is on the minus strand). VCF-style: chr1-202335059-C-A. GRCh37 (hg19) VCF-style: chr1-202304187-C-A.
Other names: c.20-1G>T (NM_001310326.2).
Identifiers: ClinVar variation 2882001 (VCV002882001.3), dbSNP rs759606476, ClinGen allele CA344255378.

ClinVar aggregate classification (germline): Likely pathogenic (1 of 4 stars; one submission).

Allele frequency attached by ClinVar (database versions not stated): TOPMed below 0.00001.

Submission:

Labcorp Genetics (formerly Invitae), Labcorp
Classification: Likely pathogenic. Last evaluated: 2023-10-27. Review status: criteria provided, single submitter. Criteria: Invitae Variant Classification Sherloc (09022015). Collection method: clinical testing. Allele origin: germline.
Comment: This sequence change affects an acceptor splice site in intron 2 of the UBE2T gene. It is expected to disrupt RNA splicing. Variants that disrupt the donor or acceptor splice site typically lead to a loss of protein function (PMID: 16199547), and loss-of-function variants in UBE2T are known to be pathogenic (PMID: 26046368, 26119737). This variant is not present in population databases (gnomAD no frequency). This variant has not been reported in the literature in individuals affected with UBE2T-related conditions. Algorithms developed to predict the effect of sequence changes on RNA splicing suggest that this variant may disrupt the consensus splice site. In summary, the currently available evidence indicates that the variant is pathogenic, but additional data are needed to prove that conclusively. Therefore, this variant has been classified as Likely Pathogenic.

Literature cited by the submitters: PubMed 16199547; PubMed 26046368; PubMed 26119737.